The following is an entry in ClinVar:

NM_003001.5(SDHC):c.331_333del (p.Ala111del)

Gene: SDHC (succinate dehydrogenase complex subunit C; plus strand). Cytogenetic location: 1q23.3.
Variant type: Deletion.
Coding change: c.331_333del on transcript NM_003001.5 (MANE Select); coding-DNA positions 331 to 333, 3 bases deleted (GCA; older notation c.331_333delGCA).
Protein change: p.Ala111del; deletes alanine 111.
Molecular consequence: inframe deletion. On other transcripts: non-coding transcript variant (1), intron variant (3).
Genome position (GRCh38, 1-based): chr1:161,356,766-161,356,768, GCA deleted; deleting any 3 consecutive bases within chr1:161,356,764-161,356,768 gives the same sequence; the c. name uses the placement nearest the transcript's 3' end. VCF-style (leftmost placement, unchanged base first): chr1-161356763-CCAG-C. GRCh37 (hg19) VCF-style: chr1-161326553-CCAG-C.
Other names: c.229_231del, p.Ala77del (NM_001035512.3); c.172_174del, p.Ala58del (NM_001035513.3); c.451_453del, p.Ala151del (NM_001407115.1); c.274_276del, p.Ala92del (NM_001407116.1); c.268_270del, p.Ala90del (NM_001407117.1); c.223_225del, p.Ala75del (NM_001407118.1); c.220_222del, p.Ala74del (NM_001407119.1, NM_001407120.1); c.242-5563_242-5561del (NM_001035511.3); and 2 more; short protein forms A111del, A151del, A58del, A74del, A75del, A77del, A90del, A92del.
Identifiers: ClinVar variation 3756354 (VCV003756354.3).

ClinVar aggregate classification (germline): Uncertain significance. Review status: criteria provided, multiple submitters, no conflicts (2 of 4 stars). 2 submissions from 2 submitters: Uncertain significance (2). Last evaluated 2025-07-17.

Conditions:
Gastrointestinal stromal tumor. Also called: Gastrointestinal stromal tumor, somatic; Gastrointestinal stroma tumor. Identifiers: Orphanet 44890, MedGen C0238198, MeSH D046152, MONDO:0011719, OMIM 606764, HP:0100723.
Pheochromocytoma/paraganglioma syndrome 3. Also called: GLOMUS TUMORS, FAMILIAL, 3; Paragangliomas 3; SDHC-Related Hereditary Paraganglioma-Pheochromocytoma Syndrome (Paragangliomas 3); SDHC-Related Hereditary Paraganglioma-Pheochromocytoma Syndrome. Identifiers: Orphanet 29072, MedGen C1854336, MONDO:0011544, OMIM 605373.
Hereditary cancer-predisposing syndrome. Also called: Neoplastic Syndromes, Hereditary; Tumor predisposition; Hereditary Cancer Syndrome; Hereditary neoplastic syndrome. Identifiers: Orphanet 140162, MedGen C0027672, MeSH D009386, MONDO:0015356.

Submissions (2):

Ambry Genetics
Classification: Uncertain significance for Hereditary cancer-predisposing syndrome. Last evaluated: 2025-07-17. Review status: criteria provided, single submitter. Criteria: Ambry Variant Classification Scheme 2023. Collection method: clinical testing. Allele origin: germline.
Comment: The c.331_333delGCA variant (also known as p.A111del) is located in coding exon 5 of the SDHC gene. This variant results from an in-frame GCA deletion at nucleotide positions 331 to 333. This results in the in-frame deletion of an alanine at codon 111. This amino acid position is not well conserved in available vertebrate species. In addition, this variant is predicted to be deleterious by in silico analysis (Choi Y et al. PLoS ONE. 2012; 7(10):e46688). Based on the available evidence, the clinical significance of this variant remains unclear.

Labcorp Genetics (formerly Invitae), Labcorp
Classification: Uncertain significance for Pheochromocytoma/paraganglioma syndrome 3; Gastrointestinal stromal tumor. Last evaluated: 2024-02-22. Review status: criteria provided, single submitter. Criteria: Invitae Variant Classification Sherloc (09022015). Collection method: clinical testing. Allele origin: germline.
Comment: This variant, c.331_333del, results in the deletion of 1 amino acid(s) of the SDHC protein (p.Ala111del), but otherwise preserves the integrity of the reading frame. This variant is not present in population databases (gnomAD no frequency). This variant has not been reported in the literature in individuals affected with SDHC-related conditions. Experimental studies and prediction algorithms are not available or were not evaluated, and the functional significance of this variant is currently unknown. In summary, the available evidence is currently insufficient to determine the role of this variant in disease. Therefore, it has been classified as a Variant of Uncertain Significance.